The following is an entry in ClinVar:

NM_022124.6(CDH23):c.6852G>C (p.Leu2284=)

Gene: CDH23 (cadherin related 23; plus strand). Cytogenetic location: 10q22.1.
Variant type: single nucleotide variant.
Coding change: c.6852G>C on transcript NM_022124.6 (MANE Select); coding-DNA position 6852, G replaced by C.
Protein change: p.Leu2284=; no amino-acid change (leucine 2284 retained).
Molecular consequence: synonymous variant.
Genome position (GRCh38, 1-based): chr10:71,798,376, G>C. VCF-style: chr10-71798376-G-C. GRCh37 (hg19) VCF-style: chr10-73558133-G-C.
Other names: c.132G>C, p.Leu44= (NM_001171933.1, NM_001171934.1).
Identifiers: ClinVar variation 46020 (VCV000046020.68), dbSNP rs56013867, ClinGen allele CA137552.
Genomic context (GRCh38, chr10:71,798,376, plus strand): 5'-GTCCTTCCCCTCTCCCTCACTCCCTGCCTCCACCACAGCCAAGCTGACTGTCAACGTCCT[G>C]GACGTCAATGACAATACGCCCCAGTTCAAGCCCTTTGGGATCACCTACTACATGGAGCGG-3'
Protein context (NP_071407.4, residues 2274-2294): VPNAKLTVNV[Leu2284=]DVNDNTPQFK

ClinVar aggregate classification (germline): Conflicting classifications of pathogenicity. Review status: criteria provided, conflicting classifications (1 of 4 stars). 14 submissions from 13 submitters: Uncertain significance (1); Benign (6); Likely benign (3). 4 of the submissions do not count toward it. Last evaluated 2026-08-01.

Conditions:
CDH23-related disorder. Also called: CDH23-related disorders; CDH23-related condition.
Usher syndrome type 1 (USH1). Also called: RETINITIS PIGMENTOSA AND CONGENITAL DEAFNESS. Identifiers: Orphanet 231169, Orphanet 886, MedGen C1568247, MONDO:0010168, OMIM 276900.
Autosomal recessive nonsyndromic hearing loss 12. Also called: DEAFNESS, AUTOSOMAL RECESSIVE 12. Identifiers: Orphanet 90636, MedGen C1832394, MONDO:0011067, OMIM 601386.
Usher syndrome type 1D (USH1D). Also called: USHER SYNDROME, TYPE ID. Identifiers: Orphanet 231169, Orphanet 886, MedGen C1832845, MONDO:0010984, OMIM 601067.

Allele frequency attached by ClinVar (database versions not stated): 1000 Genomes Project 0.00140; gnomAD 0.00491 and 0.00477; ESP Exome Variant Server 0.00422; 1000 Genomes Project 30x 0.00141; TOPMed 0.00434.
gnomAD v4.1: 9,213 of 1,613,818 alleles (0.57%); highest among the groups gnomAD compares: Admixed American, 0.69%; 28 homozygotes.

Submissions (14):

CeGaT Center for Human Genetics Tuebingen
Classification: Likely benign. Last evaluated: 2026-08-01. Review status: criteria provided, single submitter. Criteria: CeGaT Center For Human Genetics Tuebingen Variant Classification Criteria Version 2. Collection method: clinical testing. Allele origin: germline. Affected: yes. Observed: 20 variant alleles.
Comment: CDH23: BP4, BS2

PreventionGenetics, part of Exact Sciences
Classification: Likely benign for CDH23-related condition. Last evaluated: 2026-03-27. Review status: criteria provided, single submitter. Criteria: ACMG Guidelines, 2015. Collection method: clinical testing. Allele origin: germline.
Comment: This variant is classified as likely benign based on ACMG/AMP sequence variant interpretation guidelines (Richards et al. 2015 PMID: 25741868, with internal and published modifications).

Labcorp Genetics (formerly Invitae), Labcorp
Classification: Benign. Last evaluated: 2026-02-02. Review status: criteria provided, single submitter. Criteria: Invitae Variant Classification Sherloc (09022015). Collection method: clinical testing. Allele origin: germline.

Blueprint Genetics
Classification: Likely benign. Last evaluated: 2024-11-24. Review status: criteria provided, single submitter. Criteria: ACMG Guidelines, 2015. Collection method: clinical testing. Allele origin: germline.

ARUP Laboratories, Molecular Genetics and Genomics, ARUP Laboratories
Classification: Benign. Last evaluated: 2019-09-25. Review status: criteria provided, single submitter. Criteria: ARUP Molecular Germline Variant Investigation Process. Collection method: clinical testing. Allele origin: germline.

GeneDx
Classification: Benign. Last evaluated: 2019-03-12. Review status: criteria provided, single submitter. Criteria: GeneDx Variant Classification Process June 2021. Collection method: clinical testing. Allele origin: germline. Affected: yes.
Comment: This variant is associated with the following publications: (PMID: 18429043, 28912962, 32637632)

Illumina Laboratory Services, Illumina
Classification: Benign for Usher syndrome type 1D. Last evaluated: 2017-04-27. Review status: criteria provided, single submitter. Criteria: ICSL Variant Classification Criteria 13 December 2019. Collection method: clinical testing. Allele origin: germline.
Comment: This variant was observed as part of a predisposition screen in an ostensibly healthy population. A literature search was performed for the gene, cDNA change, and amino acid change (where applicable). Publications were found based on this search. The evidence from the literature, in combination with allele frequency data from public databases where available, was sufficient to rule this variant out of causing disease. Therefore, this variant is classified as benign.

Illumina Laboratory Services, Illumina
Classification: Uncertain significance for Autosomal recessive nonsyndromic hearing loss 12. Last evaluated: 2017-04-27. Review status: criteria provided, single submitter. Criteria: ICSL Variant Classification Criteria 13 December 2019. Collection method: clinical testing. Allele origin: germline.
Comment: This variant was observed as part of a predisposition screen in an ostensibly healthy population. A literature search was performed for the gene, cDNA change, and amino acid change (where applicable). Publications were found based on this search. However, the evidence from the literature, in combination with allele frequency data from public databases where available, was not sufficient to rule this variant in or out of causing disease. Therefore, this variant is classified as a variant of unknown significance.

Eurofins Ntd Llc (ga)
Classification: Benign. Last evaluated: 2016-01-27. Review status: criteria provided, single submitter. Criteria: EGL Classification Definitions 2015. Collection method: clinical testing. Allele origin: germline. Observed: 2 variant alleles, 2 heterozygotes.

Laboratory for Molecular Medicine, Mass General Brigham Personalized Medicine
Classification: Benign. Last evaluated: 2012-05-14. Review status: criteria provided, single submitter. Criteria: LMM Criteria. Collection method: clinical testing. Allele origin: germline. Observed: 18 variant alleles.
Comment: Leu2284Leu in Exon 50 of CDH23: This variant is not expected to have clinical si gnificance because it does not alter an amino acid residue, is not located withi n the splice consensus sequence, has been identified in 0.5% (35/6928) of Europe an American chromosomes from a broad population by the NHLBI Exome Sequencing Pr oject (dbSNP rs56013867) and is reported as be nign (Oshima 2008).

Natera, Inc.
Classification: Benign for Usher syndrome type 1. Last evaluated: 2019-12-03. Review status: no assertion criteria provided. Collection method: clinical testing. Allele origin: germline. Not counted in ClinVar's aggregate classification.

Clinical Genetics DNA and cytogenetics Diagnostics Lab, Erasmus MC, Erasmus Medical Center
Classification: Likely benign. Review status: no assertion criteria provided. Collection method: clinical testing. Allele origin: germline. Affected: yes. Study: VKGL Data-share Consensus. Not counted in ClinVar's aggregate classification.

Clinical Genetics, Academic Medical Center
Classification: Benign. Review status: no assertion criteria provided. Collection method: clinical testing. Allele origin: germline. Affected: yes. Study: VKGL Data-share Consensus. Not counted in ClinVar's aggregate classification.

Joint Genome Diagnostic Labs from Nijmegen and Maastricht, Radboudumc and MUMC+
Classification: Likely benign. Review status: no assertion criteria provided. Collection method: clinical testing. Allele origin: germline. Affected: yes. Study: VKGL Data-share Consensus. Not counted in ClinVar's aggregate classification.

Literature cited by the submitters: PubMed 18429043 (cited by 3 submitters); PubMed 26264712 (cited by Illumina Laboratory Services, Illumina).